The following is an entry in ClinVar:

ClinVar aggregate classification (germline): Uncertain significance (1 of 4 stars; one submission).

Conditions:
Inborn genetic diseases. Identifiers: MedGen C0950123, MeSH D030342.

Submission:

Ambry Genetics
Classification: Uncertain significance for Inborn genetic diseases. Last evaluated: 2024-01-21. Review status: criteria provided, single submitter. Criteria: Ambry Variant Classification Scheme 2023. Collection method: clinical testing. Allele origin: germline.
Comment: The p.M300I variant (also known as c.900G>C), located in coding exon 7 of the BUB1B gene, results from a G to C substitution at nucleotide position 900. The methionine at codon 300 is replaced by isoleucine, an amino acid with highly similar properties. This amino acid position is conserved. In addition, this alteration is predicted to be tolerated by in silico analysis. Since supporting evidence is limited at this time, the clinical significance of this alteration remains unclear.

NM_001211.6(BUB1B):c.900G>C (p.Met300Ile)

Gene: BUB1B (BUB1 mitotic checkpoint serine/threonine kinase B; plus strand). Cytogenetic location: 15q15.1.
Variant type: single nucleotide variant.
Coding change: c.900G>C on transcript NM_001211.6 (MANE Select); coding-DNA position 900, G replaced by C.
Protein change: p.Met300Ile; replaces methionine 300 with isoleucine.
Molecular consequence: missense variant.
Genome position (GRCh38, 1-based): chr15:40,185,313, G>C. VCF-style: chr15-40185313-G-C. GRCh37 (hg19) VCF-style: chr15-40477514-G-C.
Other names: short protein forms M300I.
Identifiers: ClinVar variation 1765468 (VCV001765468.2), dbSNP rs2542535650, ClinGen allele CA391684573.
Genomic context (GRCh38, chr15:40,185,313, plus strand): 5'-TGAGGCTTCTACAGCAGAGTTGTCTAAGCCTACAGTCCAGCCATGGATAGCACCCCCCAT[G>C]CCCAGGGCCAAAGAGAATGAGCTGCAAGCAGGCCCTTGGAACACAGGCAGGTCCTTGGAA-3'
Protein context (NP_001202.5, residues 290-310): PTVQPWIAPP[Met300Ile]PRAKENELQA